The following is an entry in ClinVar:

ClinVar aggregate classification (germline): Uncertain significance (1 of 4 stars; one submission).

Conditions:
Inborn genetic diseases. Identifiers: MedGen C0950123, MeSH D030342.

Submission:

Ambry Genetics
Classification: Uncertain significance for Inborn genetic diseases. Last evaluated: 2026-04-11. Review status: criteria provided, single submitter. Criteria: Ambry Variant Classification Scheme 2023. Collection method: clinical testing. Allele origin: germline.
Comment: The p.L1977I variant (also known as c.5929T>A), located in coding exon 22 of the FANCM gene, results from a T to A substitution at nucleotide position 5929. The leucine at codon 1977 is replaced by isoleucine, an amino acid with highly similar properties. This amino acid position is conserved. In addition, this alteration is predicted to be tolerated by in silico analysis. Based on the available evidence, the clinical significance of this variant remains unclear.

NM_020937.4(FANCM):c.5929T>A (p.Leu1977Ile)

Gene: FANCM (FA complementation group M; plus strand). Cytogenetic location: 14q21.2.
Variant type: single nucleotide variant.
Coding change: c.5929T>A on transcript NM_020937.4 (MANE Select); coding-DNA position 5929, T replaced by A.
Protein change: p.Leu1977Ile; replaces leucine 1977 with isoleucine.
Molecular consequence: missense variant.
Genome position (GRCh38, 1-based): chr14:45,198,856, T>A. VCF-style: chr14-45198856-T-A. GRCh37 (hg19) VCF-style: chr14-45668059-T-A.
Other names: c.5851T>A, p.Leu1951Ile (NM_001308133.2); short protein forms L1951I, L1977I.
Identifiers: ClinVar variation 4871072 (VCV004871072.1).
Genomic context (GRCh38, chr14:45,198,856, plus strand): 5'-GTTGGTATTCATGTTCCAACAGTGGTGAATAGTAATAAAAGTGAGGCACTCCAGTTTTAT[T>A]TAAGTATTCCCAATATAAGTTATATAACTGCATTAAATATGTGTCACCAGTTTTCATCTG-3'
Protein context (NP_065988.1, residues 1967-1987): SNKSEALQFY[Leu1977Ile]SIPNISYITA